The following is an entry in ClinVar:

ClinVar aggregate classification (germline): Conflicting classifications of pathogenicity. Review status: criteria provided, conflicting classifications (1 of 4 stars). 2 submissions from 2 submitters: Uncertain significance (1); Likely benign (1). Last evaluated 2026-01-13.

Conditions:
Factor V deficiency. Also called: Reduced coagulation factor V activity. Identifiers: Orphanet 326, MedGen C4317320, MONDO:0020586, HP:0003225.
Hereditary factor VIII deficiency disease (HEMA). Also called: Hemophilia A, congenital; HEM A; Factor 8 deficiency, congenital; HEMOPHILIA, CLASSIC; Hemophilia A; AUTOSOMAL HEMOPHILIA A. Identifiers: Orphanet 98878, MedGen C0019069, MONDO:0010602, OMIM 306700.
Factor V and factor VIII, combined deficiency of, type 1. Also called: FMFD I; Combined factor V and VIII deficiency; FAMILIAL MULTIPLE COAGULATION FACTOR DEFICIENCY I; MULTIPLE COAGULATION FACTOR DEFICIENCY I. Identifiers: Orphanet 35909, MedGen C4551981, MONDO:0009206, OMIM 227300.

Allele frequency attached by ClinVar (database versions not stated): gnomAD 0.00001 and 0.00007; TOPMed 0.00001; gnomAD exomes 0.00012 and 0.00030; ExAC 0.00030; 1000 Genomes Project 30x 0.00109; 1000 Genomes Project 0.00120.
gnomAD v4.1: 189 of 1,613,882 alleles (0.012%); highest among the groups gnomAD compares: South Asian, 0.2%; 2 homozygotes.

Submissions (2):

Labcorp Genetics (formerly Invitae), Labcorp
Classification: Likely benign. Last evaluated: 2026-01-13. Review status: criteria provided, single submitter. Criteria: Invitae Variant Classification Sherloc (09022015). Collection method: clinical testing. Allele origin: germline.

Diagnostics Services (NGS), CSIR - Centre For Cellular And Molecular Biology
Classification: Uncertain significance for Factor V and factor VIII, combined deficiency of, type 1; Hereditary factor VIII deficiency disease; Congenital factor V deficiency. Last evaluated: 2019-11-20. Review status: criteria provided, single submitter. Criteria: ACMG Guidelines, 2015. Collection method: clinical testing. Allele origin: unknown. Affected: no. Observed: 1 heterozygote.
Comment: The c.1178T>C variant is present in publicly available databases like 1000 Genomes, Exome Aggregation Consortium (ExAC), Genome Aggregation Database (gnomAD) and dbSNP at a minor allele frequency (MAF) of <= 0.001 and only in heterozygous state. The variant is also present in our in-house exome database (MAF ~ 0.005) in heterozygous state. The variant was not reported earlier to OMIM, ClinVar and Human Genome Mutation Database (HGMD) in any other affected individuals. Predictions from different in-silico pathogenicity prediction programs like SIFT, Polyphen2, Mutation Taster2, CADD etc. are contradictory. Hence due to lack of enough evidence the variant has been classified as uncertain significance as per the ACMG guidelines.

NM_005570.4(LMAN1):c.1178T>C (p.Val393Ala)

Gene: LMAN1 (lectin, mannose binding 1; minus strand). Cytogenetic location: 18q21.32.
Variant type: single nucleotide variant.
Coding change: c.1178T>C on transcript NM_005570.4 (MANE Select); coding-DNA position 1178, T replaced by C.
Protein change: p.Val393Ala; replaces valine 393 with alanine.
Molecular consequence: missense variant.
Genome position (GRCh38, 1-based): chr18:59,338,599, A>G on the plus strand (T>C on the coding strand, the complement: LMAN1 is on the minus strand). VCF-style: chr18-59338599-A-G. GRCh37 (hg19) VCF-style: chr18-57005831-A-G.
Other names: short protein forms V393A.
Identifiers: ClinVar variation 800356 (VCV000800356.6), dbSNP rs374176132, ClinGen allele CA8979702.
Genomic context (GRCh38, chr18:59,338,599, plus strand): 5'-CTACTTTTCCATACTTACTTCATTTCATTTACTTGTCTCAGAATCTCATGCTGAGTTTTC[A>G]CAACAGTATCCAGTTCTTGTTGAGTAATCTGGAGGAAGAAACAATGACGAGCAAGCTGAA-3'
Protein context (NP_005561.1, residues 383-403): QITQQELDTV[Val393Ala]KTQHEILRQV